The following is an entry in ClinVar:

ClinVar aggregate classification (germline): Uncertain significance. Review status: criteria provided, multiple submitters, no conflicts (2 of 4 stars). 2 submissions from 2 submitters: Uncertain significance (2). Last evaluated 2022-03-19.

Conditions:
Autosomal recessive Alport syndrome (ATS2). Also called: COL4A4 Alport Syndrome and Thin Basement Membrane Nephropathy; ALPORT SYNDROME 2, AUTOSOMAL RECESSIVE; Alport syndrome type 2; COL4A3-Related Nephropathy. Identifiers: Orphanet 63, Orphanet 88919, MedGen C4746745, MONDO:0008762, OMIM 203780.

Allele frequency attached by ClinVar (database versions not stated): gnomAD 0.00001; gnomAD exomes 0.00001 and 0.00002.
gnomAD v4.1: 16 of 1,614,026 alleles (0.00099%); highest among the groups gnomAD compares: Admixed American, 0.012%; no homozygotes.

Submissions (2):

Labcorp Genetics (formerly Invitae), Labcorp
Classification: Uncertain significance. Last evaluated: 2022-03-19. Review status: criteria provided, single submitter. Criteria: Invitae Variant Classification Sherloc (09022015). Collection method: clinical testing. Allele origin: germline.
Comment: This sequence change replaces arginine, which is basic and polar, with glutamine, which is neutral and polar, at codon 1637 of the COL4A4 protein (p.Arg1637Gln). This variant is present in population databases (no rsID available, gnomAD 0.01%). This variant has not been reported in the literature in individuals affected with COL4A4-related conditions. Advanced modeling of protein sequence and biophysical properties (such as structural, functional, and spatial information, amino acid conservation, physicochemical variation, residue mobility, and thermodynamic stability) performed at Invitae indicates that this missense variant is not expected to disrupt COL4A4 protein function. In summary, the available evidence is currently insufficient to determine the role of this variant in disease. Therefore, it has been classified as a Variant of Uncertain Significance.

CENTOGENE GmbH and LLC - Guiding Precision Medicine
Classification: Uncertain significance for Autosomal recessive Alport syndrome. Last evaluated: 2022-02-21. Review status: criteria provided, single submitter. Criteria: ACMG Guidelines, 2015. Collection method: clinical testing. Allele origin: germline. Affected: yes.

NM_000092.5(COL4A4):c.4910G>A (p.Arg1637Gln)

Gene: COL4A4 (collagen type IV alpha 4 chain; minus strand). Cytogenetic location: 2q36.3.
Variant type: single nucleotide variant.
Coding change: c.4910G>A on transcript NM_000092.5 (MANE Select); coding-DNA position 4910, G replaced by A.
Protein change: p.Arg1637Gln; replaces arginine 1637 with glutamine.
Molecular consequence: missense variant.
Genome position (GRCh38, 1-based): chr2:227,007,488, C>T on the plus strand (G>A on the coding strand, the complement: COL4A4 is on the minus strand). VCF-style: chr2-227007488-C-T. GRCh37 (hg19) VCF-style: chr2-227872204-C-T.
Other names: short protein forms R1637Q.
Identifiers: ClinVar variation 1342008 (VCV001342008.6), dbSNP rs937092831, ClinGen allele CA351140203.
Genomic context (GRCh38, chr2:227,007,488, plus strand): 5'-GCTTTCACCGTTGTGAGCCAGAAGCTATACTTATTTGCGAAAAAGTGGCAAGTTCCCTGC[C>T]GGCCCTGGCATTCAAGGAATGGTGCTGCTCTGAAATCTTCCAGGCAGCTGCCAGGTGACA-3'
Protein context (NP_000083.3, residues 1627-1647): RAAPFLECQG[Arg1637Gln]QGTCHFFANK